The following is an entry in ClinVar:

NM_001854.4(COL11A1):c.3762G>T (p.Lys1254Asn)

Gene: COL11A1 (collagen type XI alpha 1 chain; minus strand). Cytogenetic location: 1p21.1.
Variant type: single nucleotide variant.
Coding change: c.3762G>T on transcript NM_001854.4 (MANE Select); coding-DNA position 3762, G replaced by T.
Protein change: p.Lys1254Asn; replaces lysine 1254 with asparagine.
Molecular consequence: missense variant. On other transcripts: non-coding transcript variant (1).
Genome position (GRCh38, 1-based): chr1:102,920,311, C>A on the plus strand (G>T on the coding strand, the complement: COL11A1 is on the minus strand). VCF-style: chr1-102920311-C-A. GRCh37 (hg19) VCF-style: chr1-103385867-C-A.
Other names: c.3645G>T, p.Lys1215Asn (NM_001190709.2); c.3798G>T, p.Lys1266Asn (NM_080629.3); c.3414G>T, p.Lys1138Asn (NM_080630.4); short protein forms K1215N, K1254N, K1138N, K1266N.
Identifiers: ClinVar variation 1511295 (VCV001511295.7), dbSNP rs2101066494, ClinGen allele CA341163642.

ClinVar aggregate classification (germline): Uncertain significance (1 of 4 stars; one submission).

Submissions (2):

Labcorp Genetics (formerly Invitae), Labcorp
Classification: Uncertain significance. Last evaluated: 2022-05-16. Review status: criteria provided, single submitter. Criteria: Invitae Variant Classification Sherloc (09022015). Collection method: clinical testing. Allele origin: germline.
Comment: In summary, the available evidence is currently insufficient to determine the role of this variant in disease. Therefore, it has been classified as a Variant of Uncertain Significance. Variants that disrupt the consensus splice site are a relatively common cause of aberrant splicing (PMID: 17576681, 9536098). Algorithms developed to predict the effect of sequence changes on RNA splicing suggest that this variant may disrupt the consensus splice site. Algorithms developed to predict the effect of missense changes on protein structure and function are either unavailable or do not agree on the potential impact of this missense change (SIFT: "Deleterious"; PolyPhen-2: "Not Available"; Align-GVGD: "Class C65"). This variant has not been reported in the literature in individuals affected with COL11A1-related conditions. This variant is not present in population databases (gnomAD no frequency). This sequence change replaces lysine, which is basic and polar, with asparagine, which is neutral and polar, at codon 1254 of the COL11A1 protein (p.Lys1254Asn). This variant also falls at the last nucleotide of exon 49, which is part of the consensus splice site for this exon.

Dr. Peter K. Rogan Lab, Western University
No classification provided (evidence only). Condition: Thyroid cancer, nonmedullary, 1. Review status: no classification provided. Collection method: in vitro. Allele origin: not applicable. Functional consequence: retained intron. Not counted in ClinVar's aggregate classification.

Literature cited by the submitters: PubMed 17576681 (cited by Labcorp Genetics (formerly Invitae), Labcorp); PubMed 9536098 (cited by Labcorp Genetics (formerly Invitae), Labcorp).